The following is an entry in ClinVar:

ClinVar aggregate classification (germline): Uncertain significance (1 of 4 stars; one submission).

Submission:

CeGaT Center for Human Genetics Tuebingen
Classification: Uncertain significance. Last evaluated: 2026-06-01. Review status: criteria provided, single submitter. Criteria: CeGaT Center For Human Genetics Tuebingen Variant Classification Criteria Version 2. Collection method: clinical testing. Allele origin: germline. Affected: yes. Observed: 1 variant allele.
Comment: KCNMA1: PM2, PS2:Supporting

NM_001161352.2(KCNMA1):c.2199C>A (p.Asp733Glu)

Gene: KCNMA1 (potassium calcium-activated channel subfamily M alpha 1; minus strand). Cytogenetic location: 10q22.3.
Variant type: single nucleotide variant.
Coding change: c.2199C>A on transcript NM_001161352.2 (MANE Select); coding-DNA position 2199, C replaced by A.
Protein change: p.Asp733Glu; replaces aspartic acid 733 with glutamic acid.
Molecular consequence: missense variant. On other transcripts: intron variant (15).
Genome position (GRCh38, 1-based): chr10:77,001,474, G>T on the plus strand (C>A on the coding strand, the complement: KCNMA1 is on the minus strand). VCF-style: chr10-77001474-G-T. GRCh37 (hg19) VCF-style: chr10-78761232-G-T.
Other names: c.1942+10493C>A (NM_001271518.2); c.2092+10493C>A (NM_001322832.2, NM_001410940.1, NM_001437423.1 and 2 more transcripts); c.2101+6711C>A (NM_001322829.2, NM_001322836.2, NM_001271519.2); c.2104+10493C>A (NM_001014797.3, NM_001322835.2, NM_001322837.2); c.2113+6711C>A (NM_001322830.2); c.1552+10493C>A (NM_001322838.2); c.2224+10493C>A (NM_001437422.1); short protein forms D733E.
Identifiers: ClinVar variation 4875081 (VCV004875081.2).